The following is an entry in ClinVar:

ClinVar aggregate classification (germline): Pathogenic/Likely pathogenic. Review status: no assertion criteria provided (0 of 4 stars). 2 submissions from 2 submitters: Pathogenic (1); Likely pathogenic (1). Last evaluated 2014-08-01.

Conditions:
Long QT syndrome 15 (LQT15). Identifiers: Orphanet 101016, Orphanet 768, MedGen C4015695, MONDO:0014550, OMIM 616249.
Long QT syndrome 1 (LQT1). Identifiers: Orphanet 101016, Orphanet 768, MedGen C4551647, MONDO:0100316, OMIM 192500, MONDO:0008646.

Submissions (2):

OMIM
Classification: Pathogenic for LONG QT SYNDROME 15. Last evaluated: 2014-08-01. Review status: no assertion criteria provided. Collection method: literature only. Allele origin: germline.

George Lab Vanderbilt University
Classification: Likely pathogenic. Review status: no assertion criteria provided. Collection method: not provided. Allele origin: germline.
ClinVar note: Converted during submission from probable-pathogenic to Likely pathogenic.

Literature cited by the submitters: PubMed 24917665 (cited by OMIM).

NM_001743.6(CALM2):c.407A>C (p.Gln136Pro)

Gene: CALM2 (calmodulin 2; minus strand). Cytogenetic location: 2p21.
Variant type: single nucleotide variant.
Coding change: c.407A>C on transcript NM_001743.6 (MANE Select); coding-DNA position 407, A replaced by C.
Protein change: p.Gln136Pro; replaces glutamine 136 with proline.
Molecular consequence: missense variant.
Genome position (GRCh38, 1-based): chr2:47,161,737, T>G on the plus strand (A>C on the coding strand, the complement: CALM2 is on the minus strand). VCF-style: chr2-47161737-T-G. GRCh37 (hg19) VCF-style: chr2-47388876-T-G.
Other names: c.551A>C, p.Gln184Pro (NM_001305624.1); c.299A>C, p.Gln100Pro (NM_001305625.2, NM_001305626.1); short protein forms Q136P, Q100P, Q184P.
Identifiers: ClinVar variation 96724 (VCV000096724.2), dbSNP rs398124649, ClinGen allele CA186033.